The following is an entry in ClinVar:

NM_001017979.3(RAB28):c.90del (p.Cys31fs)

Gene: RAB28 (RAB28, member RAS oncogene family; minus strand). Cytogenetic location: 4p15.33.
Variant type: Deletion.
Coding change: c.90del on transcript NM_001017979.3 (MANE Select); coding-DNA position 90, one base deleted (G; older notation c.90delG).
Protein change: p.Cys31fs; shifts the reading frame from cysteine 31.
Molecular consequence: frameshift variant.
Genome position (GRCh38, 1-based): chr4:13,479,512, C deleted on the plus strand (G on the coding strand, the reverse complement: RAB28 is on the minus strand). VCF-style (leftmost placement, unchanged base first): chr4-13479511-AC-A. GRCh37 (hg19) VCF-style: chr4-13481135-AC-A.
Other names: c.90del, p.Cys31fs (NM_001159601.2, NM_004249.4); short protein forms C31fs.
Identifiers: ClinVar variation 1502408 (VCV001502408.6), dbSNP rs2108977238, ClinGen allele CA2573137603.

ClinVar aggregate classification (germline): Pathogenic (1 of 4 stars; one submission).

Submission:

Labcorp Genetics (formerly Invitae), Labcorp
Classification: Pathogenic. Last evaluated: 2023-08-28. Review status: criteria provided, single submitter. Criteria: Invitae Variant Classification Sherloc (09022015). Collection method: clinical testing. Allele origin: germline.
Comment: For these reasons, this variant has been classified as Pathogenic. ClinVar contains an entry for this variant (Variation ID: 1502408). This variant has not been reported in the literature in individuals affected with RAB28-related conditions. This variant is not present in population databases (gnomAD no frequency). This sequence change creates a premature translational stop signal (p.Cys31Valfs*15) in the RAB28 gene. It is expected to result in an absent or disrupted protein product. Loss-of-function variants in RAB28 are known to be pathogenic (PMID: 23746546, 25356532, 27529348).

Literature cited by the submitters: PubMed 23746546; PubMed 25356532; PubMed 27529348.